The following is an entry in ClinVar:

NM_004663.5(RAB11A):c.388C>A (p.His130Asn)

Gene: RAB11A (RAB11A, member RAS oncogene family; plus strand). Cytogenetic location: 15q22.31.
Variant type: single nucleotide variant.
Coding change: c.388C>A on transcript NM_004663.5 (MANE Select); coding-DNA position 388, C replaced by A.
Protein change: p.His130Asn; replaces histidine 130 with asparagine.
Molecular consequence: missense variant.
Genome position (GRCh38, 1-based): chr15:65,877,913, C>A. VCF-style: chr15-65877913-C-A. GRCh37 (hg19) VCF-style: chr15-66170251-C-A.
Other names: c.388C>A, p.His130Asn (NM_001206836.2); short protein forms H130N.
Identifiers: ClinVar variation 3666463 (VCV003666463.2).

ClinVar aggregate classification (germline): Uncertain significance (1 of 4 stars; one submission).

Submission:

Labcorp Genetics (formerly Invitae), Labcorp
Classification: Uncertain significance. Last evaluated: 2024-09-08. Review status: criteria provided, single submitter. Criteria: Invitae Variant Classification Sherloc (09022015). Collection method: clinical testing. Allele origin: germline.
Comment: This sequence change replaces histidine, which is basic and polar, with asparagine, which is neutral and polar, at codon 130 of the RAB11A protein (p.His130Asn). This variant is not present in population databases (gnomAD no frequency). This variant has not been reported in the literature in individuals affected with RAB11A-related conditions. An algorithm developed to predict the effect of missense changes on protein structure and function (PolyPhen-2) suggests that this variant is likely to be disruptive. In summary, the available evidence is currently insufficient to determine the role of this variant in disease. Therefore, it has been classified as a Variant of Uncertain Significance.